The following is an entry in ClinVar:

NM_004484.4(GPC3):c.856A>G (p.Met286Val)

Gene: GPC3 (glypican 3; minus strand). Cytogenetic location: Xq26.2.
Variant type: single nucleotide variant.
Coding change: c.856A>G on transcript NM_004484.4 (MANE Select); coding-DNA position 856, A replaced by G.
Protein change: p.Met286Val; replaces methionine 286 with valine.
Molecular consequence: missense variant.
Genome position (GRCh38, 1-based): chrX:133,753,658, T>C on the plus strand (A>G on the coding strand, the complement: GPC3 is on the minus strand). VCF-style: chrX-133753658-T-C. GRCh37 (hg19) VCF-style: chrX-132887685-T-C.
Other names: c.856A>G, p.Met286Val (NM_001164617.2); c.808A>G, p.Met270Val (NM_001164618.2); c.694A>G, p.Met232Val (NM_001164619.2); short protein forms M286V, M232V, M270V.
Identifiers: ClinVar variation 568197 (VCV000568197.7), dbSNP rs763327506, ClinGen allele CA10520789.

ClinVar aggregate classification (germline): Uncertain significance (1 of 4 stars; one submission).

Conditions:
Wilms tumor 1 (WT1). Also called: Wilms tumor, somatic. Identifiers: Orphanet 654, MedGen CN033288, MONDO:0008679, OMIM 194070.

Allele frequency attached by ClinVar (database versions not stated): gnomAD exomes 0.00001 and 0.00003; TOPMed 0.00002; ExAC 0.00006.
gnomAD v4.1: 9 of 1,211,913 alleles (0.00074%); highest among the groups gnomAD compares: Non-Finnish European, 0.001%; no homozygotes.

Submission:

Labcorp Genetics (formerly Invitae), Labcorp
Classification: Uncertain significance for Wilms tumor 1. Last evaluated: 2023-08-10. Review status: criteria provided, single submitter. Criteria: Invitae Variant Classification Sherloc (09022015). Collection method: clinical testing. Allele origin: germline.
Comment: This variant has not been reported in the literature in individuals affected with GPC3-related conditions. This variant is present in population databases (rs763327506, gnomAD 0.006%), including at least one homozygous and/or hemizygous individual. This sequence change replaces methionine, which is neutral and non-polar, with valine, which is neutral and non-polar, at codon 286 of the GPC3 protein (p.Met286Val). ClinVar contains an entry for this variant (Variation ID: 568197). In summary, the available evidence is currently insufficient to determine the role of this variant in disease. Therefore, it has been classified as a Variant of Uncertain Significance. Advanced modeling of protein sequence and biophysical properties (such as structural, functional, and spatial information, amino acid conservation, physicochemical variation, residue mobility, and thermodynamic stability) performed at Invitae indicates that this missense variant is not expected to disrupt GPC3 protein function.